The following is an entry in ClinVar:

NM_020442.6(VARS2):c.2378G>A (p.Cys793Tyr)

Genes: VARS2 (valyl-tRNA synthetase 2, mitochondrial; plus strand), LOC126859646 (MED14-independent group 3 enhancer GRCh37_chr6:30889690-30890889; plus strand). Cytogenetic location: 6p21.33.
Variant type: single nucleotide variant.
Coding change: c.2378G>A on transcript NM_020442.6 (MANE Select); coding-DNA position 2378, G replaced by A.
Protein change: p.Cys793Tyr; replaces cysteine 793 with tyrosine.
Molecular consequence: missense variant.
Genome position (GRCh38, 1-based): chr6:30,923,417, G>A. VCF-style: chr6-30923417-G-A. GRCh37 (hg19) VCF-style: chr6-30891194-G-A.
Other names: c.1958G>A, p.Cys653Tyr (NM_001167733.3); c.2468G>A, p.Cys823Tyr (NM_001167734.2); short protein forms C653Y, C793Y, C823Y.
Identifiers: ClinVar variation 1922498 (VCV001922498.6), dbSNP rs2538677744, ClinGen allele CA363175502.

ClinVar aggregate classification (germline): Uncertain significance. Review status: criteria provided, multiple submitters, no conflicts (2 of 4 stars). 2 submissions from 2 submitters: Uncertain significance (2). Last evaluated 2022-08-01.

Conditions:
Inborn genetic diseases. Identifiers: MedGen C0950123, MeSH D030342.

Allele frequency attached by ClinVar (database versions not stated): gnomAD exomes below 0.00001.
gnomAD v4.1: 3 of 1,612,304 alleles (0.00019%); highest among the groups gnomAD compares: Non-Finnish European, 0.00025%; no homozygotes.

Submissions (2):

Ambry Genetics
Classification: Uncertain significance for Inborn genetic diseases. Last evaluated: 2022-08-01. Review status: criteria provided, single submitter. Criteria: Ambry Variant Classification Scheme 2023. Collection method: clinical testing. Allele origin: germline.

Labcorp Genetics (formerly Invitae), Labcorp
Classification: Uncertain significance. Last evaluated: 2022-01-27. Review status: criteria provided, single submitter. Criteria: Invitae Variant Classification Sherloc (09022015). Collection method: clinical testing. Allele origin: germline.
Comment: This variant has not been reported in the literature in individuals affected with VARS2-related conditions. In summary, the available evidence is currently insufficient to determine the role of this variant in disease. Therefore, it has been classified as a Variant of Uncertain Significance. Algorithms developed to predict the effect of missense changes on protein structure and function are either unavailable or do not agree on the potential impact of this missense change (SIFT: "Deleterious"; PolyPhen-2: "Probably Damaging"; Align-GVGD: "Class C0"). This variant is not present in population databases (gnomAD no frequency). This sequence change replaces cysteine, which is neutral and slightly polar, with tyrosine, which is neutral and polar, at codon 823 of the VARS2 protein (p.Cys823Tyr).